The following is an entry in ClinVar:

ClinVar aggregate classification (germline): Likely pathogenic (1 of 4 stars; one submission).

Conditions:
Immunodeficiency due to ficolin3 deficiency. Also called: FICOLIN 3 DEFICIENCY; FCN3 DEFICIENCY; LECTIN COMPLEMENT ACTIVATION PATHWAY, DEFECT IN, 3. Identifiers: Orphanet 331190, MedGen C3151226, MONDO:0013467, OMIM 613860.

Submission:

First Genomix Gene Laboratory, Genetic Diagnostics Department
Classification: Likely pathogenic for Immunodeficiency due to ficolin3 deficiency. Last evaluated: 2025-05-05. Review status: criteria provided, single submitter. Criteria: ACMG Guidelines, 2015. Collection method: clinical testing. Allele origin: germline. Inheritance: Autosomal recessive inheritance. Affected: no. Observed: 1 variant allele.

NM_003665.4(FCN3):c.74_77dup (p.His26fs)

Gene: FCN3 (ficolin 3; minus strand). Cytogenetic location: 1p36.11.
Variant type: Duplication.
Coding change: c.74_77dup on transcript NM_003665.4 (MANE Select); coding-DNA positions 74 to 77, 4 bases duplicated (AACA; older notation c.74_77dupAACA).
Protein change: p.His26fs; shifts the reading frame from histidine 26.
Molecular consequence: frameshift variant.
Genome position (GRCh38, 1-based): chr1:27,374,742-27,374,745, TGTT duplicated on the plus strand (AACA on the coding strand, the reverse complement: FCN3 is on the minus strand). VCF-style (leftmost placement, unchanged base first): chr1-27374741-G-GTGTT. GRCh37 (hg19) VCF-style: chr1-27701232-G-GTGTT.
Other names: c.74_77dup, p.His26fs (NM_173452.3); c.74_77dupAACA (NM_003665.4); short protein forms H26fs.
Identifiers: ClinVar variation 4845898 (VCV004845898.1).